The following is an entry in ClinVar:

NM_002890.3(RASA1):c.49G>A (p.Gly17Arg)

Gene: RASA1 (RAS p21 protein activator 1; plus strand). Cytogenetic location: 5q14.3.
Variant type: single nucleotide variant.
Coding change: c.49G>A on transcript NM_002890.3 (MANE Select); coding-DNA position 49, G replaced by A.
Protein change: p.Gly17Arg; replaces glycine 17 with arginine.
Molecular consequence: missense variant.
Genome position (GRCh38, 1-based): chr5:87,268,500, G>A. VCF-style: chr5-87268500-G-A. GRCh37 (hg19) VCF-style: chr5-86564317-G-A.
Other names: short protein forms G17R.
Identifiers: ClinVar variation 4751976 (VCV004751976.1).
Genomic context (GRCh38, chr5:87,268,500, plus strand): 5'-GCGGGCTTCAACATGATGGCGGCCGAGGCCGGCAGTGAGGAGGGCGGCCCGGTAACAGCC[G>A]GAGCTGGAGGAGGCGGCGCGGCAGCGGGCTCCAGTGCCTATCCCGCAGTGTGTCGGGTGA-3'
Protein context (NP_002881.1, residues 7-27): GSEEGGPVTA[Gly17Arg]AGGGGAAAGS

ClinVar aggregate classification (germline): Uncertain significance (1 of 4 stars; one submission).

Conditions:
Capillary malformation-arteriovenous malformation syndrome. Also called: Capillary malformation-arteriovenous malformation. Identifiers: Orphanet 137667, MedGen C1842180, MONDO:0012016.

gnomAD v4.1: 2 of 1,567,014 alleles (0.00013%); highest among the groups gnomAD compares: East Asian, 0.0047%; no homozygotes.

Submission:

Labcorp Genetics (formerly Invitae), Labcorp
Classification: Uncertain significance for Capillary malformation-arteriovenous malformation syndrome. Last evaluated: 2025-05-29. Review status: criteria provided, single submitter. Criteria: Invitae Variant Classification Sherloc (09022015). Collection method: clinical testing. Allele origin: germline.
Comment: This sequence change replaces glycine, which is neutral and non-polar, with arginine, which is basic and polar, at codon 17 of the RASA1 protein (p.Gly17Arg). The frequency data for this variant in the population databases is considered unreliable, as metrics indicate poor data quality at this position in the gnomAD database. This variant has not been reported in the literature in individuals affected with RASA1-related conditions. An algorithm developed to predict the effect of missense changes on protein structure and function (PolyPhen-2) suggests that this variant is likely to be disruptive. In summary, the available evidence is currently insufficient to determine the role of this variant in disease. Therefore, it has been classified as a Variant of Uncertain Significance.